The following is an entry in ClinVar:

NM_001365951.3(KIF1B):c.1671G>T (p.Arg557Ser)

Gene: KIF1B (kinesin family member 1B; plus strand). Cytogenetic location: 1p36.22.
Variant type: single nucleotide variant.
Coding change: c.1671G>T on transcript NM_001365951.3 (MANE Select); coding-DNA position 1671, G replaced by T.
Protein change: p.Arg557Ser; replaces arginine 557 with serine.
Molecular consequence: missense variant.
Genome position (GRCh38, 1-based): chr1:10,295,660, G>T. VCF-style: chr1-10295660-G-T. GRCh37 (hg19) VCF-style: chr1-10355718-G-T.
Other names: c.1671G>T, p.Arg557Ser (NM_001365952.1); c.1533G>T, p.Arg511Ser (NM_001365953.1, NM_015074.3, NM_183416.4); short protein forms R557S, R511S.
Identifiers: ClinVar variation 1936420 (VCV001936420.5), dbSNP rs1650224444, ClinGen allele CA338314709.

ClinVar aggregate classification (germline): Uncertain significance (1 of 4 stars; one submission).

Conditions:
Charcot-Marie-Tooth disease type 2. Also called: Charcot-Marie-Tooth type 2. Identifiers: Orphanet 64746, MedGen C0270914, MONDO:0018993.

Submission:

Labcorp Genetics (formerly Invitae), Labcorp
Classification: Uncertain significance for Charcot-Marie-Tooth disease type 2. Last evaluated: 2022-09-21. Review status: criteria provided, single submitter. Criteria: Invitae Variant Classification Sherloc (09022015). Collection method: clinical testing. Allele origin: germline.
Comment: In summary, the available evidence is currently insufficient to determine the role of this variant in disease. Therefore, it has been classified as a Variant of Uncertain Significance. Algorithms developed to predict the effect of missense changes on protein structure and function are either unavailable or do not agree on the potential impact of this missense change (SIFT: "Tolerated"; PolyPhen-2: "Probably Damaging"; Align-GVGD: "Class C0"). This variant has not been reported in the literature in individuals affected with KIF1B-related conditions. This variant is not present in population databases (gnomAD no frequency). This sequence change replaces arginine, which is basic and polar, with serine, which is neutral and polar, at codon 511 of the KIF1B protein (p.Arg511Ser).